The following is an entry in ClinVar:

NM_020699.4(GATAD2B):c.1020C>T (p.Ser340=)

Gene: GATAD2B (GATA zinc finger domain containing 2B; minus strand). Cytogenetic location: 1q21.3.
Variant type: single nucleotide variant.
Coding change: c.1020C>T on transcript NM_020699.4 (MANE Select); coding-DNA position 1020, C replaced by T.
Protein change: p.Ser340=; no amino-acid change (serine 340 retained).
Molecular consequence: synonymous variant.
Genome position (GRCh38, 1-based): chr1:153,816,469, G>A on the plus strand (C>T on the coding strand, the complement: GATAD2B is on the minus strand). VCF-style: chr1-153816469-G-A. GRCh37 (hg19) VCF-style: chr1-153788945-G-A.
Identifiers: ClinVar variation 729873 (VCV000729873.43), dbSNP rs140272058, ClinGen allele CA1120711.

ClinVar aggregate classification (germline): Benign/Likely benign. Review status: criteria provided, multiple submitters, no conflicts (2 of 4 stars). 8 submissions from 8 submitters: Benign (1); Likely benign (6). 1 of the submissions does not count toward it. Last evaluated 2026-07-01.

Conditions:
Severe intellectual disability-poor language-strabismus-grimacing face-long fingers syndrome (GAND). Also called: GAND SYNDROME. Identifiers: Orphanet 363686, MedGen C3554448, MONDO:0014034, OMIM 615074.
GATAD2B-related disorder. Also called: GATAD2B-related condition.

Allele frequency attached by ClinVar (database versions not stated): 1000 Genomes Project 0.00020; 1000 Genomes Project 30x 0.00031; gnomAD 0.00040 and 0.00042; ExAC 0.00044; TOPMed 0.00046; gnomAD exomes 0.00048 and 0.00097; ESP Exome Variant Server 0.00054.
gnomAD v4.1: 1,496 of 1,614,044 alleles (0.093%); highest among the groups gnomAD compares: Non-Finnish European, 0.11%; 2 homozygotes.

Submissions (8):

CeGaT Center for Human Genetics Tuebingen
Classification: Likely benign. Last evaluated: 2026-07-01. Review status: criteria provided, single submitter. Criteria: CeGaT Center For Human Genetics Tuebingen Variant Classification Criteria Version 2. Collection method: clinical testing. Allele origin: germline. Affected: yes. Observed: 5 variant alleles.
Comment: GATAD2B: BP4, BP7

Labcorp Genetics (formerly Invitae), Labcorp
Classification: Likely benign. Last evaluated: 2026-02-02. Review status: criteria provided, single submitter. Criteria: Invitae Variant Classification Sherloc (09022015). Collection method: clinical testing. Allele origin: germline.

Genome-Nilou Lab
Classification: Likely benign for Severe intellectual disability-poor language-strabismus-grimacing face-long fingers syndrome. Last evaluated: 2023-04-11. Review status: criteria provided, single submitter. Criteria: ACMG Guidelines, 2015. Collection method: clinical testing. Allele origin: germline. Affected: no.

Fulgent Genetics
Classification: Likely benign for Severe intellectual disability-poor language-strabismus-grimacing face-long fingers syndrome. Last evaluated: 2022-01-06. Review status: criteria provided, single submitter. Criteria: ACMG Guidelines, 2015. Collection method: clinical testing. Allele origin: unknown.

GeneDx
Classification: Benign. Last evaluated: 2020-09-17. Review status: criteria provided, single submitter. Criteria: GeneDx Variant Classification Process June 2021. Collection method: clinical testing. Allele origin: germline. Affected: yes.

Genetic Services Laboratory, University of Chicago
Classification: Likely benign. Last evaluated: 2018-08-01. Review status: criteria provided, single submitter. Criteria: ACMG Guidelines, 2015. Collection method: clinical testing. Allele origin: germline. Affected: no.

Breakthrough Genomics
Classification: Likely benign. Review status: criteria provided, single submitter. Criteria: ACMG Guidelines, 2015. Collection method: not provided. Allele origin: germline. Inheritance: Autosomal dominant inheritance. Affected: yes.

PreventionGenetics, part of Exact Sciences
Classification: Likely benign for GATAD2B-related condition. Last evaluated: 2019-10-28. Review status: no assertion criteria provided. Collection method: clinical testing. Allele origin: germline. Not counted in ClinVar's aggregate classification.
Comment: This variant is classified as likely benign based on ACMG/AMP sequence variant interpretation guidelines (Richards et al. 2015 PMID: 25741868, with internal and published modifications).